The following is an entry in ClinVar:

ClinVar aggregate classification (germline): Uncertain significance (1 of 4 stars; one submission).

Conditions:
Familial acute necrotizing encephalopathy (IIAE3). Also called: ENCEPHALOPATHY, ACUTE, INFECTION-INDUCED, SUSCEPTIBILITY TO, 3; Susceptibility to Acute Necrotizing Encephalopathy 1. Identifiers: Orphanet 88619, MedGen C2675556, MONDO:0011953, OMIM 608033.

Allele frequency attached by ClinVar (database versions not stated): gnomAD 0.00001; gnomAD exomes 0.00001; TOPMed 0.00001.
gnomAD v4.1: 8 of 1,610,472 alleles (0.0005%); highest among the groups gnomAD compares: African/African-American, 0.0013%; no homozygotes.

Submission:

Labcorp Genetics (formerly Invitae), Labcorp
Classification: Uncertain significance for Familial acute necrotizing encephalopathy. Last evaluated: 2024-06-26. Review status: criteria provided, single submitter. Criteria: Invitae Variant Classification Sherloc (09022015). Collection method: clinical testing. Allele origin: germline.
Comment: This sequence change replaces serine, which is neutral and polar, with asparagine, which is neutral and polar, at codon 621 of the RANBP2 protein (p.Ser621Asn). This variant is present in population databases (no rsID available, gnomAD 0.007%). This variant has not been reported in the literature in individuals affected with RANBP2-related conditions. ClinVar contains an entry for this variant (Variation ID: 1517347). Algorithms developed to predict the effect of missense changes on protein structure and function output the following: SIFT: "Not Available"; PolyPhen-2: "Benign"; Align-GVGD: "Not Available". The asparagine amino acid residue is found in multiple mammalian species, which suggests that this missense change does not adversely affect protein function. In summary, the available evidence is currently insufficient to determine the role of this variant in disease. Therefore, it has been classified as a Variant of Uncertain Significance.

NM_006267.5(RANBP2):c.1862G>A (p.Ser621Asn)

Gene: RANBP2 (RAN binding protein 2; plus strand). Cytogenetic location: 2q13.
Variant type: single nucleotide variant.
Coding change: c.1862G>A on transcript NM_006267.5 (MANE Select); coding-DNA position 1862, G replaced by A.
Protein change: p.Ser621Asn; replaces serine 621 with asparagine.
Molecular consequence: missense variant.
Genome position (GRCh38, 1-based): chr2:108,753,104, G>A. VCF-style: chr2-108753104-G-A. GRCh37 (hg19) VCF-style: chr2-109369560-G-A.
Other names: short protein forms S621N.
Identifiers: ClinVar variation 1517347 (VCV001517347.9), dbSNP rs1298841292, ClinGen allele CA348051843.